The following is an entry in ClinVar:

ClinVar aggregate classification (germline): Uncertain significance (1 of 4 stars; one submission).

Conditions:
Congenital disorder of deglycosylation (CDDG). Identifiers: MedGen C3808991, MONDO:0031376.

Submission:

Labcorp Genetics (formerly Invitae), Labcorp
Classification: Uncertain significance for Congenital disorder of deglycosylation. Last evaluated: 2021-09-01. Review status: criteria provided, single submitter. Criteria: Invitae Variant Classification Sherloc (09022015). Collection method: clinical testing. Allele origin: germline.
Comment: This sequence change replaces proline with alanine at codon 362 of the NGLY1 protein (p.Pro362Ala). The proline residue is highly conserved and there is a small physicochemical difference between proline and alanine. This variant is not present in population databases (ExAC no frequency). This variant has not been reported in the literature in individuals affected with NGLY1-related conditions. Algorithms developed to predict the effect of missense changes on protein structure and function (SIFT, PolyPhen-2, Align-GVGD) all suggest that this variant is likely to be disruptive. In summary, the available evidence is currently insufficient to determine the role of this variant in disease. Therefore, it has been classified as a Variant of Uncertain Significance.

NM_018297.4(NGLY1):c.1084C>G (p.Pro362Ala)

Gene: NGLY1 (N-glycanase 1; minus strand). Cytogenetic location: 3p24.2.
Variant type: single nucleotide variant.
Coding change: c.1084C>G on transcript NM_018297.4 (MANE Select); coding-DNA position 1084, C replaced by G.
Protein change: p.Pro362Ala; replaces proline 362 with alanine.
Molecular consequence: missense variant. On other transcripts: intron variant (1).
Genome position (GRCh38, 1-based): chr3:25,736,069, G>C on the plus strand (C>G on the coding strand, the complement: NGLY1 is on the minus strand). VCF-style: chr3-25736069-G-C. GRCh37 (hg19) VCF-style: chr3-25777560-G-C.
Other names: c.958C>G, p.Pro320Ala (NM_001145294.2); c.1084C>G, p.Pro362Ala (NM_001145295.2); c.1095+240C>G (NM_001145293.2); short protein forms P320A, P362A.
Identifiers: ClinVar variation 1015040 (VCV001015040.2), dbSNP rs1705801576, ClinGen allele CA351900876.